The following is an entry in ClinVar:

NM_025137.4(SPG11):c.4877T>G (p.Phe1626Cys)

Gene: SPG11 (SPG11 vesicle trafficking associated, spatacsin; minus strand). Cytogenetic location: 15q21.1.
Variant type: single nucleotide variant.
Coding change: c.4877T>G on transcript NM_025137.4 (MANE Select); coding-DNA position 4877, T replaced by G.
Protein change: p.Phe1626Cys; replaces phenylalanine 1626 with cysteine.
Molecular consequence: missense variant.
Genome position (GRCh38, 1-based): chr15:44,589,281, A>C on the plus strand (T>G on the coding strand, the complement: SPG11 is on the minus strand). VCF-style: chr15-44589281-A-C. GRCh37 (hg19) VCF-style: chr15-44881479-A-C.
Other names: c.4877T>G, p.Phe1626Cys (NM_001160227.2); short protein forms F1626C.
Identifiers: ClinVar variation 1407603 (VCV001407603.3), dbSNP rs553905886, ClinGen allele CA7534562.

ClinVar aggregate classification (germline): Uncertain significance (1 of 4 stars; one submission).

Conditions:
Hereditary spastic paraplegia 11. Also called: Nakamura Osame syndrome; Autosomal recessive hereditary spastic paraplegia, mental impairment, and thin corpus callosum; Spastic Paraplegia 11; SPASTIC PARAPLEGIA, AUTOSOMAL RECESSIVE, COMPLICATED, WITH THIN CORPUS CALLOSUM; SPASTIC PARAPLEGIA, AUTOSOMAL RECESSIVE, WITH MENTAL IMPAIRMENT AND THIN CORPUS CALLOSUM; Spastic paraplegia, mental retardation and thin corpus callosum. Identifiers: Orphanet 2822, MedGen C1858479, MONDO:0011445, OMIM 604360.

Allele frequency attached by ClinVar (database versions not stated): gnomAD 0.00001; gnomAD exomes 0.00001 and 0.00002; ExAC 0.00002; TOPMed 0.00003; 1000 Genomes Project 0.00020; 1000 Genomes Project 30x 0.00031.
gnomAD v4.1: 11 of 1,614,092 alleles (0.00068%); highest among the groups gnomAD compares: Admixed American, 0.0067%; no homozygotes.

Submission:

Labcorp Genetics (formerly Invitae), Labcorp
Classification: Uncertain significance for Hereditary spastic paraplegia 11. Last evaluated: 2022-08-08. Review status: criteria provided, single submitter. Criteria: Invitae Variant Classification Sherloc (09022015). Collection method: clinical testing. Allele origin: germline.
Comment: This sequence change replaces phenylalanine, which is neutral and non-polar, with cysteine, which is neutral and slightly polar, at codon 1626 of the SPG11 protein (p.Phe1626Cys). This variant is present in population databases (rs553905886, gnomAD 0.01%). This variant has not been reported in the literature in individuals affected with SPG11-related conditions. ClinVar contains an entry for this variant (Variation ID: 1407603). Algorithms developed to predict the effect of missense changes on protein structure and function (SIFT, PolyPhen-2, Align-GVGD) all suggest that this variant is likely to be disruptive. In summary, the available evidence is currently insufficient to determine the role of this variant in disease. Therefore, it has been classified as a Variant of Uncertain Significance.